The following is an entry in ClinVar:

ClinVar aggregate classification (germline): Uncertain significance (1 of 4 stars; one submission).

Allele frequency attached by ClinVar (database versions not stated): gnomAD exomes below 0.00001; TOPMed below 0.00001; gnomAD 0.00001.
gnomAD v4.1: 7 of 1,613,914 alleles (0.00043%); highest among the groups gnomAD compares: Non-Finnish European, 0.00034%; no homozygotes.

Submission:

Labcorp Genetics (formerly Invitae), Labcorp
Classification: Uncertain significance. Last evaluated: 2024-01-29. Review status: criteria provided, single submitter. Criteria: Invitae Variant Classification Sherloc (09022015). Collection method: clinical testing. Allele origin: germline.
Comment: This sequence change replaces leucine, which is neutral and non-polar, with proline, which is neutral and non-polar, at codon 733 of the VPS13A protein (p.Leu733Pro). This variant is present in population databases (rs751682984, gnomAD 0.004%). This variant has not been reported in the literature in individuals affected with VPS13A-related conditions. ClinVar contains an entry for this variant (Variation ID: 2158293). Advanced modeling of protein sequence and biophysical properties (such as structural, functional, and spatial information, amino acid conservation, physicochemical variation, residue mobility, and thermodynamic stability) performed at Invitae indicates that this missense variant is not expected to disrupt VPS13A protein function with a negative predictive value of 80%. In summary, the available evidence is currently insufficient to determine the role of this variant in disease. Therefore, it has been classified as a Variant of Uncertain Significance.

NM_033305.3(VPS13A):c.2198T>C (p.Leu733Pro)

Gene: VPS13A (vacuolar protein sorting 13 homolog A; plus strand). Cytogenetic location: 9q21.2.
Variant type: single nucleotide variant.
Coding change: c.2198T>C on transcript NM_033305.3 (MANE Select); coding-DNA position 2198, T replaced by C.
Protein change: p.Leu733Pro; replaces leucine 733 with proline.
Molecular consequence: missense variant.
Genome position (GRCh38, 1-based): chr9:77,252,262, T>C. VCF-style: chr9-77252262-T-C. GRCh37 (hg19) VCF-style: chr9-79867178-T-C.
Other names: c.2198T>C, p.Leu733Pro (NM_001018037.2, NM_001018038.3, NM_015186.4); short protein forms L733P.
Identifiers: ClinVar variation 2158293 (VCV002158293.3), dbSNP rs751682984, ClinGen allele CA194395867.
Genomic context (GRCh38, chr9:77,252,262, plus strand): 5'-TTACGTTAAATATGAACTATTTTCTGTACTTAGGTGATAATTGGAGAGAAGCACGAAAAC[T>C]CAGTGTATCTACCCAGCATATTTTGGTACCCATGCACTTCAATTTGGAACTGTCTAAGGC-3'
Protein context (NP_150648.2, residues 723-743): VGDNWREARK[Leu733Pro]SVSTQHILVP